The following is an entry in ClinVar:

NM_173651.4(FSIP2):c.4037C>T (p.Thr1346Met)

Genes: FSIP2 (fibrous sheath interacting protein 2; plus strand), FSIP2-AS1 (FSIP2 antisense RNA 1; minus strand). Cytogenetic location: 2q32.1.
Variant type: single nucleotide variant.
Coding change: c.4037C>T on transcript NM_173651.4 (MANE Select); coding-DNA position 4037, C replaced by T.
Protein change: p.Thr1346Met; replaces threonine 1346 with methionine.
Molecular consequence: missense variant.
Genome position (GRCh38, 1-based): chr2:185,791,173, C>T. VCF-style: chr2-185791173-C-T. GRCh37 (hg19) VCF-style: chr2-186655900-C-T.
Other names: short protein forms T1346M.
Identifiers: ClinVar variation 3057160 (VCV003057160.2), dbSNP rs114059375, ClinGen allele CA2016635.

ClinVar aggregate classification (germline): Benign (0 of 4 stars; one submission).

Conditions:
FSIP2-related disorder. Also called: FSIP2-related condition.

Allele frequency attached by ClinVar (database versions not stated): gnomAD exomes 0.00138; ExAC 0.00213; gnomAD 0.01235; TOPMed 0.01349; 1000 Genomes Project 0.01617; 1000 Genomes Project 30x 0.01686.
gnomAD v4.1: 3,892 of 1,533,512 alleles (0.25%); highest among the groups gnomAD compares: African/African-American, 4.3%; 79 homozygotes.

Submission:

PreventionGenetics, part of Exact Sciences
Classification: Benign for FSIP2-related condition. Last evaluated: 2019-02-20. Review status: no assertion criteria provided. Collection method: clinical testing. Allele origin: germline.
Comment: This variant is classified as benign based on ACMG/AMP sequence variant interpretation guidelines (Richards et al. 2015 PMID: 25741868, with internal and published modifications).